The following is an entry in ClinVar:

NM_006015.6(ARID1A):c.322G>A (p.Gly108Ser)

Gene: ARID1A (AT-rich interaction domain 1A; plus strand). Cytogenetic location: 1p36.11.
Variant type: single nucleotide variant.
Coding change: c.322G>A on transcript NM_006015.6 (MANE Select); coding-DNA position 322, G replaced by A.
Protein change: p.Gly108Ser; replaces glycine 108 with serine.
Molecular consequence: missense variant.
Genome position (GRCh38, 1-based): chr1:26,696,725, G>A. VCF-style: chr1-26696725-G-A. GRCh37 (hg19) VCF-style: chr1-27023216-G-A.
Other names: c.322G>A, p.Gly108Ser (NM_139135.4); short protein forms G108S.
Identifiers: ClinVar variation 2754068 (VCV002754068.3), dbSNP rs2080259457, ClinGen allele CA339264871.

ClinVar aggregate classification (germline): Uncertain significance (1 of 4 stars; one submission).

Allele frequency attached by ClinVar (database versions not stated): gnomAD 0.00001.

Submission:

Labcorp Genetics (formerly Invitae), Labcorp
Classification: Uncertain significance. Last evaluated: 2025-07-14. Review status: criteria provided, single submitter. Criteria: Invitae Variant Classification Sherloc (09022015). Collection method: clinical testing. Allele origin: germline.
Comment: This sequence change replaces glycine, which is neutral and non-polar, with serine, which is neutral and polar, at codon 108 of the ARID1A protein (p.Gly108Ser). This variant is not present in population databases (gnomAD no frequency). This variant has not been reported in the literature in individuals affected with ARID1A-related conditions. ClinVar contains an entry for this variant (Variation ID: 2754068). Invitae Evidence Modeling of protein sequence and biophysical properties (such as structural, functional, and spatial information, amino acid conservation, physicochemical variation, residue mobility, and thermodynamic stability) indicates that this missense variant is not expected to disrupt ARID1A protein function with a negative predictive value of 95%. In summary, the available evidence is currently insufficient to determine the role of this variant in disease. Therefore, it has been classified as a Variant of Uncertain Significance.